The following is an entry in ClinVar:

NM_015450.3(POT1):c.1342T>G (p.Ser448Ala)

Gene: POT1 (protection of telomeres 1; minus strand). Cytogenetic location: 7q31.33.
Variant type: single nucleotide variant.
Coding change: c.1342T>G on transcript NM_015450.3 (MANE Select); coding-DNA position 1342, T replaced by G.
Protein change: p.Ser448Ala; replaces serine 448 with alanine.
Molecular consequence: missense variant. On other transcripts: non-coding transcript variant (3).
Genome position (GRCh38, 1-based): chr7:124,841,000, A>C on the plus strand (T>G on the coding strand, the complement: POT1 is on the minus strand). VCF-style: chr7-124841000-A-C. GRCh37 (hg19) VCF-style: chr7-124481054-A-C.
Other names: c.949T>G, p.Ser317Ala (NM_001042594.2); c.1342T>G (NM_015450.2); short protein forms S448A, S317A.
Identifiers: ClinVar variation 4741146 (VCV004741146.2).

ClinVar aggregate classification (germline): Uncertain significance. Review status: criteria provided, multiple submitters, no conflicts (2 of 4 stars). 2 submissions from 2 submitters: Uncertain significance (2). Last evaluated 2026-07-13.

Conditions:
Hereditary cancer-predisposing syndrome. Also called: Hereditary Cancer Syndrome; Hereditary neoplastic syndrome; Neoplastic Syndromes, Hereditary; Tumor predisposition. Identifiers: Orphanet 140162, MedGen C0027672, MeSH D009386, MONDO:0015356.
Tumor predisposition syndrome 3 (TPDS3). Also called: Glioma susceptibility 9; LONG TELOMERE SYNDROME, POT1-RELATED; POT1 Tumor Predisposition; Melanoma, cutaneous malignant, susceptibility to, 10. Identifiers: Orphanet 618, MedGen C4014476, MONDO:0014368, OMIM 615848.

Submissions (2):

Ambry Genetics
Classification: Uncertain significance for Hereditary cancer-predisposing syndrome. Last evaluated: 2026-07-13. Review status: criteria provided, single submitter. Criteria: Ambry Variant Classification Scheme 2023. Collection method: clinical testing. Allele origin: germline.
Comment: The p.S448A variant (also known as c.1342T>G), located in coding exon 10 of the POT1 gene, results from a T to G substitution at nucleotide position 1342. The serine at codon 448 is replaced by alanine, an amino acid with similar properties. This amino acid position is conserved. In addition, this alteration is predicted to be tolerated by in silico analysis. Based on the available evidence, the clinical significance of this variant remains unclear.

Labcorp Genetics (formerly Invitae), Labcorp
Classification: Uncertain significance for Tumor predisposition syndrome 3. Last evaluated: 2025-11-18. Review status: criteria provided, single submitter. Criteria: Invitae Variant Classification Sherloc (09022015). Collection method: clinical testing. Allele origin: germline.
Comment: This sequence change replaces serine, which is neutral and polar, with alanine, which is neutral and non-polar, at codon 448 of the POT1 protein (p.Ser448Ala). This variant is not present in population databases (gnomAD no frequency). This variant has not been reported in the literature in individuals affected with POT1-related conditions. Invitae Evidence Modeling of protein sequence and biophysical properties (such as structural, functional, and spatial information, amino acid conservation, physicochemical variation, residue mobility, and thermodynamic stability) indicates that this missense variant is not expected to disrupt POT1 protein function with a negative predictive value of 80%. In summary, the available evidence is currently insufficient to determine the role of this variant in disease. Therefore, it has been classified as a Variant of Uncertain Significance.